The following is an entry in ClinVar:

ClinVar aggregate classification (germline): Uncertain significance. Review status: criteria provided, multiple submitters, no conflicts (2 of 4 stars). 2 submissions from 2 submitters: Uncertain significance (2). Last evaluated 2025-05-01.

Conditions:
Hereditary pheochromocytoma and paraganglioma. Also called: Hereditary pheochromocytoma-paraganglioma; Hereditary Paraganglioma-Pheochromocytoma Syndromes; Hereditary paragangliomas and pheochromocytomas. Identifiers: Orphanet 29072, MedGen C4274332, MONDO:0017366.
Hereditary cancer-predisposing syndrome. Also called: Hereditary neoplastic syndrome; Hereditary Cancer Syndrome; Tumor predisposition; Neoplastic Syndromes, Hereditary. Identifiers: Orphanet 140162, MedGen C0027672, MeSH D009386, MONDO:0015356.

Submissions (2):

Ambry Genetics
Classification: Uncertain significance for Hereditary cancer-predisposing syndrome. Last evaluated: 2025-05-01. Review status: criteria provided, single submitter. Criteria: Ambry Variant Classification Scheme 2023. Collection method: clinical testing. Allele origin: germline.
Comment: The p.T201A variant (also known as c.601A>G), located in coding exon 3 of the TMEM127 gene, results from an A to G substitution at nucleotide position 601. The threonine at codon 201 is replaced by alanine, an amino acid with similar properties. This amino acid position is highly conserved in available vertebrate species. In addition, the in silico prediction for this alteration is inconclusive. Based on the available evidence, the clinical significance of this variant remains unclear.

Labcorp Genetics (formerly Invitae), Labcorp
Classification: Uncertain significance for Hereditary pheochromocytoma and paraganglioma. Last evaluated: 2020-10-16. Review status: criteria provided, single submitter. Criteria: Invitae Variant Classification Sherloc (09022015). Collection method: clinical testing. Allele origin: germline.
Comment: This sequence change replaces threonine with alanine at codon 201 of the TMEM127 protein (p.Thr201Ala). The threonine residue is highly conserved and there is a small physicochemical difference between threonine and alanine. This variant is not present in population databases (ExAC no frequency). This variant has not been reported in the literature in individuals with TMEM127-related conditions. Algorithms developed to predict the effect of missense changes on protein structure and function are either unavailable or do not agree on the potential impact of this missense change (SIFT: "Deleterious"; PolyPhen-2: "Benign"; Align-GVGD: "Class C55"). In summary, the available evidence is currently insufficient to determine the role of this variant in disease. Therefore, it has been classified as a Variant of Uncertain Significance.

NM_017849.4(TMEM127):c.601A>G (p.Thr201Ala)

Gene: TMEM127 (transmembrane protein 127; minus strand). Cytogenetic location: 2q11.2.
Variant type: single nucleotide variant.
Coding change: c.601A>G on transcript NM_017849.4 (MANE Select); coding-DNA position 601, A replaced by G.
Protein change: p.Thr201Ala; replaces threonine 201 with alanine.
Molecular consequence: missense variant.
Genome position (GRCh38, 1-based): chr2:96,253,924, T>C on the plus strand (A>G on the coding strand, the complement: TMEM127 is on the minus strand). VCF-style: chr2-96253924-T-C. GRCh37 (hg19) VCF-style: chr2-96919662-T-C.
Other names: c.601A>G, p.Thr201Ala (NM_001193304.3); short protein forms T201A.
Identifiers: ClinVar variation 957436 (VCV000957436.12), dbSNP rs1684144587, ClinGen allele CA347652035.
Genomic context (GRCh38, chr2:96,253,924, plus strand): 5'-GGTAGGGCTCGTTCTCTTCCATCTCTGAGAGCAGCTCCAGCGCCTGCTCCTCTTCCTCTG[T>C]GGGGTAGTGGCGCAGGAGGTTGGCTGCCGTGGCCAGGATTGAGGCTCCACCAGCTCCTGC-3'
Protein context (NP_060319.1, residues 191-211): TAANLLRHYP[Thr201Ala]EEEEQALELL